The following is an entry in ClinVar:

ClinVar aggregate classification (germline): Uncertain significance. Review status: criteria provided, single submitter (1 of 4 stars). 3 submissions from 3 submitters: Uncertain significance (1). 2 of the submissions do not count toward it. Last evaluated 2024-01-25.

Conditions:
Fanconi anemia (FA). Also called: Fanconi's anemia. Identifiers: Orphanet 84, MedGen C0015625, MeSH D005199, MONDO:0019391.
Fanconi anemia complementation group A (FANCA). Also called: FANCA-Related Fanconi Anemia; Fanconi anemia, group A. Identifiers: Orphanet 84, MedGen C3469521, MONDO:0009215, OMIM 227650.

Allele frequency attached by ClinVar (database versions not stated): gnomAD exomes 0.00001.
gnomAD v4.1: 8 of 1,614,082 alleles (0.0005%); highest among the groups gnomAD compares: East Asian, 0.0022%; no homozygotes.

Submissions (3):

Labcorp Genetics (formerly Invitae), Labcorp
Classification: Uncertain significance for Fanconi anemia. Last evaluated: 2024-01-25. Review status: criteria provided, single submitter. Criteria: Invitae Variant Classification Sherloc (09022015). Collection method: clinical testing. Allele origin: germline.
Comment: This sequence change replaces phenylalanine, which is neutral and non-polar, with valine, which is neutral and non-polar, at codon 868 of the FANCA protein (p.Phe868Val). This variant is not present in population databases (gnomAD no frequency). This missense change has been observed in individuals with Fanconi anemia (PMID: 15523645, 28102861). ClinVar contains an entry for this variant (Variation ID: 554084). Algorithms developed to predict the effect of missense changes on protein structure and function output the following: SIFT: "Not Available"; PolyPhen-2: "Benign"; Align-GVGD: "Not Available". The valine amino acid residue is found in multiple mammalian species, which suggests that this missense change does not adversely affect protein function. Experimental studies are conflicting or provide insufficient evidence to determine the effect of this variant on FANCA function (PMID: 15523645, 28215707). In summary, the available evidence is currently insufficient to determine the role of this variant in disease. Therefore, it has been classified as a Variant of Uncertain Significance.

Leiden Open Variation Database
Classification: Pathogenic for Fanconi anemia complementation group A. Last evaluated: 2020-02-28. Review status: no assertion criteria provided. Collection method: curation. Allele origin: germline. Affected: yes. Not counted in ClinVar's aggregate classification.
Comment: Curator: Arleen D. Auerbach. Submitter to LOVD: Arleen D. Auerbach.

Counsyl
Classification: Uncertain significance for Fanconi anemia complementation group A. Last evaluated: 2017-09-26. Review status: no assertion criteria provided. Collection method: clinical testing. Allele origin: unknown. Not counted in ClinVar's aggregate classification.

Literature cited by the submitters: PubMed 15523645 (cited by 3 submitters); PubMed 28102861 (cited by Labcorp Genetics (formerly Invitae), Labcorp); PubMed 28215707 (cited by Labcorp Genetics (formerly Invitae), Labcorp).

NM_000135.4(FANCA):c.2602T>G (p.Phe868Val)

Genes: FANCA (FA complementation group A; minus strand), LOC130059837 (ATAC-STARR-seq lymphoblastoid active region 11420; plus strand). Cytogenetic location: 16q24.3.
Variant type: single nucleotide variant.
Coding change: c.2602T>G on transcript NM_000135.4 (MANE Select); coding-DNA position 2602, T replaced by G.
Protein change: p.Phe868Val; replaces phenylalanine 868 with valine.
Molecular consequence: missense variant.
Genome position (GRCh38, 1-based): chr16:89,765,066, A>C on the plus strand (T>G on the coding strand, the complement: FANCA is on the minus strand). VCF-style: chr16-89765066-A-C. GRCh37 (hg19) VCF-style: chr16-89831474-A-C.
Other names: c.2602T>G (LRG_495t1); c.2602T>G, p.Phe868Val (NM_001286167.3); short protein forms F868V.
Identifiers: ClinVar variation 554084 (VCV000554084.6), dbSNP rs1555545588, ClinGen allele CA397438946.